The following is an entry in ClinVar:

NM_001184880.2(PCDH19):c.1816G>A (p.Asp606Asn)

Gene: PCDH19 (protocadherin 19; minus strand). Cytogenetic location: Xq22.1.
Variant type: single nucleotide variant.
Coding change: c.1816G>A on transcript NM_001184880.2 (MANE Select); coding-DNA position 1816, G replaced by A.
Protein change: p.Asp606Asn; replaces aspartic acid 606 with asparagine.
Molecular consequence: missense variant.
Genome position (GRCh38, 1-based): chrX:100,406,782, C>T on the plus strand (G>A on the coding strand, the complement: PCDH19 is on the minus strand). VCF-style: chrX-100406782-C-T. GRCh37 (hg19) VCF-style: chrX-99661780-C-T.
Other names: c.1816G>A, p.Asp606Asn (NM_001105243.2, NM_020766.3); c.1816G>A (NM_001184880.1); short protein forms D606N.
Identifiers: ClinVar variation 1467490 (VCV001467490.10), dbSNP rs1928364873, ClinGen allele CA414001911.

ClinVar aggregate classification (germline): Uncertain significance. Review status: criteria provided, multiple submitters, no conflicts (2 of 4 stars). 2 submissions from 2 submitters: Uncertain significance (2). Last evaluated 2022-07-29.

Conditions:
Developmental and epileptic encephalopathy, 9 (DEE9). Also called: Early infantile epileptic encephalopathy 9; PCDH19-Related X-Linked Female-Limited Epilepsy with Mental Retardation; EPILEPSY, FEMALE-RESTRICTED, WITH MENTAL RETARDATION; JUBERG-HELLMAN SYNDROME. Identifiers: Orphanet 101039, Orphanet 2076, MedGen C1848137, MONDO:0010246, OMIM 300088. Disease mechanism: loss of function.

Submissions (2):

GeneDx
Classification: Uncertain significance. Last evaluated: 2022-07-29. Review status: criteria provided, single submitter. Criteria: GeneDx Variant Classification Process June 2021. Collection method: clinical testing. Allele origin: germline. Affected: yes.
Comment: Not observed at significant frequency in large population cohorts (gnomAD); Missense variants in this gene are often considered pathogenic (HGMD); In silico analysis supports that this missense variant does not alter protein structure/function; Has not been previously published as pathogenic or benign to our knowledge

Labcorp Genetics (formerly Invitae), Labcorp
Classification: Uncertain significance for Developmental and epileptic encephalopathy, 9. Last evaluated: 2022-03-19. Review status: criteria provided, single submitter. Criteria: Invitae Variant Classification Sherloc (09022015). Collection method: clinical testing. Allele origin: germline.
Comment: In summary, the available evidence is currently insufficient to determine the role of this variant in disease. Therefore, it has been classified as a Variant of Uncertain Significance. Advanced modeling of protein sequence and biophysical properties (such as structural, functional, and spatial information, amino acid conservation, physicochemical variation, residue mobility, and thermodynamic stability) performed at Invitae indicates that this missense variant is not expected to disrupt PCDH19 protein function. This variant has not been reported in the literature in individuals affected with PCDH19-related conditions. This variant is not present in population databases (gnomAD no frequency). This sequence change replaces aspartic acid, which is acidic and polar, with asparagine, which is neutral and polar, at codon 606 of the PCDH19 protein (p.Asp606Asn).